The following is an entry in ClinVar:

NM_000321.3(RB1):c.1499G>T (p.Arg500Ile)

Gene: RB1 (RB transcriptional corepressor 1; plus strand). Cytogenetic location: 13q14.2.
Variant type: single nucleotide variant.
Coding change: c.1499G>T on transcript NM_000321.3 (MANE Select); coding-DNA position 1499, G replaced by T.
Protein change: p.Arg500Ile; replaces arginine 500 with isoleucine.
Molecular consequence: missense variant.
Genome position (GRCh38, 1-based): chr13:48,381,247, G>T. VCF-style: chr13-48381247-G-T. GRCh37 (hg19) VCF-style: chr13-48955383-G-T.
Other names: short protein forms R500I.
Identifiers: ClinVar variation 649781 (VCV000649781.9), dbSNP rs1593456939, ClinGen allele CA388163256.
Genomic context (GRCh38, chr13:48,381,247, plus strand): 5'-AAAATACCTAGCTCAAGGGTTAATATTTCATAAATAGTTACTTTTTTTTTTCATTTTTAG[G>T]AAGTACATCTCAGAATCTTGATTCTGGAACAGATTTGTCTTTCCCATGGATTCTGAATGT-3'
Protein context (NP_000312.2, residues 490-510): ALEVVMATYS[Arg500Ile]STSQNLDSGT

ClinVar aggregate classification (germline): Uncertain significance (1 of 4 stars; one submission).

Conditions:
Retinoblastoma (RB1). Also called: RETINOBLASTOMA, SOMATIC. Identifiers: Orphanet 790, MedGen C0035335, MeSH D012175, MONDO:0008380, OMIM 180200, HP:0009919. Disease mechanism: loss of function. Inheritance: Both sporadic and heritable forms are tested..

Submissions (2):

Labcorp Genetics (formerly Invitae), Labcorp
Classification: Uncertain significance for Retinoblastoma. Last evaluated: 2018-08-15. Review status: criteria provided, single submitter. Criteria: Invitae Variant Classification Sherloc (09022015). Collection method: clinical testing. Allele origin: germline.
Comment: In summary, the available evidence is currently insufficient to determine the role of this variant in disease. Therefore, it has been classified as a Variant of Uncertain Significance. Experimental studies have shown that this missense change impairs RB1 mRNA splicing and results in exon 17 skipping (PMID: 18449911). Algorithms developed to predict the effect of missense changes on protein structure and function are either unavailable or do not agree on the potential impact of this missense change (SIFT: "Deleterious"; PolyPhen-2: "Possibly Damaging"; Align-GVGD: "Class C0"). This variant has been observed in individuals affected with retinoblastoma (PMID: 18449911, Invitae). This variant is not present in population databases (ExAC no frequency). This sequence change replaces arginine with isoleucine at codon 500 of the RB1 protein (p.Arg500Ile). The arginine residue is highly conserved and there is a moderate physicochemical difference between arginine and isoleucine.

Dr. Peter K. Rogan Lab, Western University
No classification provided (evidence only). Condition: Thyroid cancer, nonmedullary, 1. Review status: no classification provided. Collection method: in vitro. Allele origin: not applicable. Functional consequence: retained intron. Not counted in ClinVar's aggregate classification.

Literature cited by the submitters: PubMed 18449911 (cited by Labcorp Genetics (formerly Invitae), Labcorp).